The following is an entry in ClinVar:

NM_001110556.2(FLNA):c.2543T>C (p.Ile848Thr)

Gene: FLNA (filamin A; minus strand). Cytogenetic location: Xq28.
Variant type: single nucleotide variant.
Coding change: c.2543T>C on transcript NM_001110556.2 (MANE Select); coding-DNA position 2543, T replaced by C.
Protein change: p.Ile848Thr; replaces isoleucine 848 with threonine.
Molecular consequence: missense variant.
Genome position (GRCh38, 1-based): chrX:154,362,440, A>G on the plus strand (T>C on the coding strand, the complement: FLNA is on the minus strand). VCF-style: chrX-154362440-A-G. GRCh37 (hg19) VCF-style: chrX-153590808-A-G.
Other names: c.2543T>C, p.Ile848Thr (NM_001456.4); short protein forms I848T.
Identifiers: ClinVar variation 968470 (VCV000968470.10), dbSNP rs2067719388, ClinGen allele CA415235793.

ClinVar aggregate classification (germline): Uncertain significance (1 of 4 stars; one submission).

Conditions:
Heterotopia, periventricular, X-linked dominant (PVNH1). Also called: PERIVENTRICULAR NODULAR HETEROTOPIA 4; HETEROTOPIA, PERIVENTRICULAR, 1; PERIVENTRICULAR NODULAR HETEROTOPIA 1; X-linked periventricular heterotopia. Identifiers: Orphanet 2149, Orphanet 82004, MedGen C1848213, MONDO:0010233, OMIM 300049.
Oto-palato-digital syndrome, type II (OPD2). Also called: Otopalatodigital Syndrome, Type II; Otopalatodigital Syndrome Type 2 (FLNA-OPD2); FACIOPALATOOSSEOUS SYNDROME; OPD II SYNDROME. Identifiers: Orphanet 669, Orphanet 90652, MedGen C1844696, MONDO:0010571, OMIM 304120.
Melnick-Needles syndrome (MNS). Also called: Melnick-Needles Syndrome (FLNA-MNS); MELNICK-NEEDLES OSTEODYSPLASTY; OSTEODYSPLASTY OF MELNICK AND NEEDLES. Identifiers: Orphanet 2484, MedGen C0025237, MONDO:0010650, OMIM 309350.
Frontometaphyseal dysplasia (FMD1). Identifiers: Orphanet 1826, MedGen C0265293, MONDO:0015942.

Submission:

Labcorp Genetics (formerly Invitae), Labcorp
Classification: Uncertain significance for Oto-palato-digital syndrome, type II; Heterotopia, periventricular, X-linked dominant; Frontometaphyseal dysplasia; Melnick-Needles syndrome. Last evaluated: 2019-10-25. Review status: criteria provided, single submitter. Criteria: Invitae Variant Classification Sherloc (09022015). Collection method: clinical testing. Allele origin: germline.
Comment: This variant is not present in population databases (ExAC no frequency). This variant has not been reported in the literature in individuals with FLNA-related conditions. Algorithms developed to predict the effect of missense changes on protein structure and function (SIFT, PolyPhen-2, Align-GVGD) all suggest that this variant is likely to be disruptive, but these predictions have not been confirmed by published functional studies and their clinical significance is uncertain. In summary, the available evidence is currently insufficient to determine the role of this variant in disease. Therefore, it has been classified as a Variant of Uncertain Significance. This sequence change replaces isoleucine with threonine at codon 848 of the FLNA protein (p.Ile848Thr). The isoleucine residue is highly conserved and there is a moderate physicochemical difference between isoleucine and threonine.